The following is an entry in ClinVar:

ClinVar aggregate classification (germline): Uncertain significance (1 of 4 stars; one submission).

Conditions:
Hereditary cancer-predisposing syndrome. Also called: Hereditary neoplastic syndrome; Neoplastic Syndromes, Hereditary; Tumor predisposition; Hereditary Cancer Syndrome. Identifiers: Orphanet 140162, MedGen C0027672, MeSH D009386, MONDO:0015356.

Submission:

Ambry Genetics
Classification: Uncertain significance for Hereditary cancer-predisposing syndrome. Last evaluated: 2025-01-27. Review status: criteria provided, single submitter. Criteria: Ambry Variant Classification Scheme 2023. Collection method: clinical testing. Allele origin: germline.
Comment: The p.P540A variant (also known as c.1618C>G), located in coding exon 8 of the ALK gene, results from a C to G substitution at nucleotide position 1618. The proline at codon 540 is replaced by alanine, an amino acid with highly similar properties. This amino acid position is conserved. In addition, this alteration is predicted to be tolerated by in silico analysis. Based on the available evidence, the clinical significance of this variant remains unclear.

NM_004304.5(ALK):c.1618C>G (p.Pro540Ala)

Gene: ALK (ALK receptor tyrosine kinase; minus strand). Cytogenetic location: 2p23.2.
Variant type: single nucleotide variant.
Coding change: c.1618C>G on transcript NM_004304.5 (MANE Select); coding-DNA position 1618, C replaced by G.
Protein change: p.Pro540Ala; replaces proline 540 with alanine.
Molecular consequence: missense variant.
Genome position (GRCh38, 1-based): chr2:29,318,333, G>C on the plus strand (C>G on the coding strand, the complement: ALK is on the minus strand). VCF-style: chr2-29318333-G-C. GRCh37 (hg19) VCF-style: chr2-29541199-G-C.
Other names: short protein forms P540A.
Identifiers: ClinVar variation 3855511 (VCV003855511.1).